The following is an entry in ClinVar:

NM_012414.4(RAB3GAP2):c.1231T>C (p.Leu411=)

Gene: RAB3GAP2 (RAB3 GTPase activating non-catalytic protein subunit 2; minus strand). Cytogenetic location: 1q41.
Variant type: single nucleotide variant.
Coding change: c.1231T>C on transcript NM_012414.4 (MANE Select); coding-DNA position 1231, T replaced by C.
Protein change: p.Leu411=; no amino-acid change (leucine 411 retained).
Molecular consequence: synonymous variant.
Genome position (GRCh38, 1-based): chr1:220,193,279, A>G on the plus strand (T>C on the coding strand, the complement: RAB3GAP2 is on the minus strand). VCF-style: chr1-220193279-A-G. GRCh37 (hg19) VCF-style: chr1-220366621-A-G.
Identifiers: ClinVar variation 3029641 (VCV003029641.2), dbSNP rs2528685183, ClinGen allele CA423169655.

ClinVar aggregate classification (germline): Likely benign (0 of 4 stars; one submission).

Conditions:
RAB3GAP2-related disorder. Also called: RAB3GAP2-related condition; RAB3GAP2-related disorders.

Submission:

PreventionGenetics, part of Exact Sciences
Classification: Likely benign for RAB3GAP2-related condition. Last evaluated: 2021-12-21. Review status: no assertion criteria provided. Collection method: clinical testing. Allele origin: germline.
Comment: This variant is classified as likely benign based on ACMG/AMP sequence variant interpretation guidelines (Richards et al. 2015 PMID: 25741868, with internal and published modifications).